The following is an entry in ClinVar:

NM_006618.5(KDM5B):c.1986G>A (p.Glu662=)

Gene: KDM5B (lysine demethylase 5B; minus strand). Cytogenetic location: 1q32.1.
Variant type: single nucleotide variant.
Coding change: c.1986G>A on transcript NM_006618.5 (MANE Select); coding-DNA position 1986, G replaced by A.
Protein change: p.Glu662=; no amino-acid change (glutamic acid 662 retained).
Molecular consequence: synonymous variant.
Genome position (GRCh38, 1-based): chr1:202,748,975, C>T on the plus strand (G>A on the coding strand, the complement: KDM5B is on the minus strand). VCF-style: chr1-202748975-C-T. GRCh37 (hg19) VCF-style: chr1-202718103-C-T.
Other names: c.2094G>A, p.Glu698= (NM_001314042.2); c.1851G>A, p.Glu617= (NM_001347591.2); c.1971G>A, p.Glu657= (NM_001399817.1).
Identifiers: ClinVar variation 4874071 (VCV004874071.2).

ClinVar aggregate classification (germline): Likely benign (1 of 4 stars; one submission).

Submission:

CeGaT Center for Human Genetics Tuebingen
Classification: Likely benign. Last evaluated: 2026-09-01. Review status: criteria provided, single submitter. Criteria: CeGaT Center For Human Genetics Tuebingen Variant Classification Criteria Version 2. Collection method: clinical testing. Allele origin: germline. Affected: yes. Observed: 2 variant alleles.
Comment: KDM5B: PM2:Supporting, BP4, BP7